The following is an entry in ClinVar:

NM_014000.3(VCL):c.1840A>T (p.Thr614Ser)

Gene: VCL (vinculin; plus strand). Cytogenetic location: 10q22.2.
Variant type: single nucleotide variant.
Coding change: c.1840A>T on transcript NM_014000.3 (MANE Select); coding-DNA position 1840, A replaced by T.
Protein change: p.Thr614Ser; replaces threonine 614 with serine.
Molecular consequence: missense variant.
Genome position (GRCh38, 1-based): chr10:74,097,300, A>T. VCF-style: chr10-74097300-A-T. GRCh37 (hg19) VCF-style: chr10-75857058-A-T.
Other names: c.1840A>T, p.Thr614Ser (NM_003373.4); short protein forms T614S.
Identifiers: ClinVar variation 1507624 (VCV001507624.6), dbSNP rs142695754, ClinGen allele CA209704330.
Genomic context (GRCh38, chr10:74,097,300, plus strand): 5'-GAAGTGTCAGATGTTTTCAGCGATACCACAACTCCCATCAAGCTGTTGGCAGTGGCAGCC[A>T]CGGCGCCTCCTGATGCGCCTAACAGGGAAGAGGTGGGTATCTGAGGTCTTCCATTTTTCT-3'
Protein context (NP_054706.1, residues 604-624): TPIKLLAVAA[Thr614Ser]APPDAPNREE

ClinVar aggregate classification (germline): Uncertain significance (1 of 4 stars; one submission).

Conditions:
Dilated cardiomyopathy 1W (CMD1W). Identifiers: Orphanet 154, MedGen C1969639, MONDO:0012667, OMIM 611407.

Allele frequency attached by ClinVar (database versions not stated): gnomAD exomes below 0.00001 and 0.00001; ESP Exome Variant Server 0.00008.
gnomAD v4.1: 12 of 1,613,882 alleles (0.00074%); highest among the groups gnomAD compares: Non-Finnish European, 0.001%; no homozygotes.

Submission:

Labcorp Genetics (formerly Invitae), Labcorp
Classification: Uncertain significance for Dilated cardiomyopathy 1W. Last evaluated: 2023-11-27. Review status: criteria provided, single submitter. Criteria: Invitae Variant Classification Sherloc (09022015). Collection method: clinical testing. Allele origin: germline.
Comment: This sequence change replaces threonine with serine at codon 614 of the VCL protein (p.Thr614Ser). The threonine residue is highly conserved and there is a small physicochemical difference between threonine and serine. This variant is not present in population databases (gnomAD no frequency). This variant has not been reported in the literature in individuals affected with VCL-related conditions. ClinVar contains an entry for this variant (Variation ID: 1507624). An algorithm developed to predict the effect of missense changes on protein structure and function (PolyPhen-2) suggests that this variant is likely to be disruptive. In summary, the available evidence is currently insufficient to determine the role of this variant in disease. Therefore, it has been classified as a Variant of Uncertain Significance.